The following is an entry in ClinVar:

NM_001174150.2(ARL13B):c.1156C>T (p.Pro386Ser)

Gene: ARL13B (ARF like GTPase 13B; plus strand). Cytogenetic location: 3q11.2.
Variant type: single nucleotide variant.
Coding change: c.1156C>T on transcript NM_001174150.2 (MANE Select); coding-DNA position 1156, C replaced by T.
Protein change: p.Pro386Ser; replaces proline 386 with serine.
Molecular consequence: missense variant. On other transcripts: non-coding transcript variant (2).
Genome position (GRCh38, 1-based): chr3:94,050,838, C>T. VCF-style: chr3-94050838-C-T. GRCh37 (hg19) VCF-style: chr3-93769682-C-T.
Other names: c.847C>T, p.Pro283Ser (NM_001174151.2); c.1111C>T, p.Pro371Ser (NM_001321328.2); c.835C>T, p.Pro279Ser (NM_144996.4); c.1156C>T, p.Pro386Ser (NM_182896.3); short protein forms P279S, P371S, P283S, P386S.
Identifiers: ClinVar variation 953506 (VCV000953506.6), dbSNP rs762309445, ClinGen allele CA2504292.

ClinVar aggregate classification (germline): Uncertain significance (1 of 4 stars; one submission).

Conditions:
Joubert syndrome 8 (JBTS8). Identifiers: Orphanet 475, MedGen C2676771, MONDO:0012855, OMIM 612291.

Allele frequency attached by ClinVar (database versions not stated): gnomAD exomes below 0.00001 and 0.00001; ExAC 0.00001; gnomAD 0.00001; TOPMed 0.00002.
gnomAD v4.1: 5 of 1,612,292 alleles (0.00031%); highest among the groups gnomAD compares: Admixed American, 0.005%; no homozygotes.

Submission:

Labcorp Genetics (formerly Invitae), Labcorp
Classification: Uncertain significance for Joubert syndrome 8. Last evaluated: 2022-10-24. Review status: criteria provided, single submitter. Criteria: Invitae Variant Classification Sherloc (09022015). Collection method: clinical testing. Allele origin: germline.
Comment: This sequence change replaces proline, which is neutral and non-polar, with serine, which is neutral and polar, at codon 386 of the ARL13B protein (p.Pro386Ser). This variant is present in population databases (rs762309445, gnomAD 0.006%). This variant has not been reported in the literature in individuals affected with ARL13B-related conditions. ClinVar contains an entry for this variant (Variation ID: 953506). Advanced modeling of protein sequence and biophysical properties (such as structural, functional, and spatial information, amino acid conservation, physicochemical variation, residue mobility, and thermodynamic stability) performed at Invitae indicates that this missense variant is not expected to disrupt ARL13B protein function. In summary, the available evidence is currently insufficient to determine the role of this variant in disease. Therefore, it has been classified as a Variant of Uncertain Significance.